The following is an entry in ClinVar:

NM_024665.7(TBL1XR1):c.1152C>T (p.Val384=)

Gene: TBL1XR1 (TBL1X/Y related 1; minus strand). Cytogenetic location: 3q26.32.
Variant type: single nucleotide variant.
Coding change: c.1152C>T on transcript NM_024665.7 (MANE Select); coding-DNA position 1152, C replaced by T.
Protein change: p.Val384=; no amino-acid change (valine 384 retained).
Molecular consequence: synonymous variant.
Genome position (GRCh38, 1-based): chr3:177,034,296, G>A on the plus strand (C>T on the coding strand, the complement: TBL1XR1 is on the minus strand). VCF-style: chr3-177034296-G-A. GRCh37 (hg19) VCF-style: chr3-176752084-G-A.
Other names: c.1152C>T, p.Val384= (NM_001321193.3, NM_001321194.3, NM_001374327.1 and 2 more transcripts); c.891C>T, p.Val297= (NM_001321195.3, NM_001374330.1).
Identifiers: ClinVar variation 1551943 (VCV001551943.30), dbSNP rs770559682, ClinGen allele CA2709821.

ClinVar aggregate classification (germline): Likely benign. Review status: criteria provided, multiple submitters, no conflicts (2 of 4 stars). 2 submissions from 2 submitters: Likely benign (2). Last evaluated 2024-08-01.

Conditions:
Pierpont syndrome (PRPTS). Identifiers: Orphanet 487825, MedGen C1865644, MONDO:0011213, OMIM 602342.

Allele frequency attached by ClinVar (database versions not stated): gnomAD 0.00001 and 0.00002; ExAC 0.00003; gnomAD exomes 0.00003.
gnomAD v4.1: 44 of 1,591,312 alleles (0.0028%); highest among the groups gnomAD compares: Middle Eastern, 0.019%; 1 homozygote.

Submissions (2):

CeGaT Center for Human Genetics Tuebingen
Classification: Likely benign. Last evaluated: 2024-08-01. Review status: criteria provided, single submitter. Criteria: CeGaT Center For Human Genetics Tuebingen Variant Classification Criteria Version 2. Collection method: clinical testing. Allele origin: germline. Affected: yes. Observed: 1 variant allele.
Comment: TBL1XR1: BP4, BP7

Labcorp Genetics (formerly Invitae), Labcorp
Classification: Likely benign for Pierpont syndrome. Last evaluated: 2024-07-30. Review status: criteria provided, single submitter. Criteria: Invitae Variant Classification Sherloc (09022015). Collection method: clinical testing. Allele origin: germline.